The following is an entry in ClinVar:

NM_001127222.2(CACNA1A):c.1096G>A (p.Glu366Lys)

Gene: CACNA1A (calcium voltage-gated channel subunit alpha1 A; minus strand). Cytogenetic location: 19p13.13.
Variant type: single nucleotide variant.
Coding change: c.1096G>A on transcript NM_001127222.2 (MANE Select); coding-DNA position 1096, G replaced by A.
Protein change: p.Glu366Lys; replaces glutamic acid 366 with lysine.
Molecular consequence: missense variant.
Genome position (GRCh38, 1-based): chr19:13,334,480, C>T on the plus strand (G>A on the coding strand, the complement: CACNA1A is on the minus strand). VCF-style: chr19-13334480-C-T. GRCh37 (hg19) VCF-style: chr19-13445294-C-T.
Other names: c.1096G>A, p.Glu366Lys (NM_000068.4, NM_001127221.2, NM_001174080.2 and 1 more transcripts); short protein forms E366K.
Identifiers: ClinVar variation 2505811 (VCV002505811.1), dbSNP rs2513049281, ClinGen allele CA404346614.

ClinVar aggregate classification (germline): Uncertain significance (1 of 4 stars; one submission).

Submission:

GeneDx
Classification: Uncertain significance. Last evaluated: 2022-12-13. Review status: criteria provided, single submitter. Criteria: GeneDx Variant Classification Process June 2021. Collection method: clinical testing. Allele origin: germline. Affected: yes.
Comment: Not observed at significant frequency in large population cohorts (gnomAD); In silico analysis supports that this missense variant has a deleterious effect on protein structure/function; Has not been previously published as pathogenic or benign to our knowledge